The following is an entry in ClinVar:

ClinVar aggregate classification (germline): Uncertain significance (1 of 4 stars; one submission).

Submission:

Ambry Genetics
Classification: Uncertain significance. Last evaluated: 2024-05-25. Review status: criteria provided, single submitter. Criteria: Ambry Variant Classification Scheme 2023. Collection method: clinical testing. Allele origin: germline.
Comment: The p.M220V variant (also known as c.658A>G), located in coding exon 5 of the POLQ gene, results from an A to G substitution at nucleotide position 658. The methionine at codon 220 is replaced by valine, an amino acid with highly similar properties. This amino acid position is conserved. In addition, the in silico prediction for this alteration is inconclusive. Since supporting evidence is limited at this time, the clinical significance of this alteration remains unclear.

NM_199420.4(POLQ):c.658A>G (p.Met220Val)

Gene: POLQ (DNA polymerase theta; minus strand). Cytogenetic location: 3q13.33.
Variant type: single nucleotide variant.
Coding change: c.658A>G on transcript NM_199420.4 (MANE Select); coding-DNA position 658, A replaced by G.
Protein change: p.Met220Val; replaces methionine 220 with valine.
Molecular consequence: missense variant.
Genome position (GRCh38, 1-based): chr3:121,537,182, T>C on the plus strand (A>G on the coding strand, the complement: POLQ is on the minus strand). VCF-style: chr3-121537182-T-C. GRCh37 (hg19) VCF-style: chr3-121256029-T-C.
Other names: short protein forms M220V.
Identifiers: ClinVar variation 1754339 (VCV001754339.3), dbSNP rs2546822802, ClinGen allele CA354090720.